The following is an entry in ClinVar:

ClinVar aggregate classification (germline): Uncertain significance (1 of 4 stars; one submission).

Conditions:
Tuberous sclerosis 2 (TSC2). Identifiers: Orphanet 805, MedGen C1860707, MONDO:0013199, OMIM 613254.

Submission:

MVZ Medizinische Genetik Mainz
Classification: Uncertain significance for Tuberous sclerosis 2. Last evaluated: 2025-11-12. Review status: criteria provided, single submitter. Criteria: UK Practice Guidelines For Variant Classification V4 01 2020. Collection method: clinical testing. Allele origin: germline. Inheritance: Autosomal dominant inheritance. Affected: yes. Observed: 1 variant allele.
Comment: ACMG Criteria: PM2_SUP,PP4

NM_000548.5(TSC2):c.1094T>G (p.Ile365Ser)

Gene: TSC2 (TSC complex subunit 2; plus strand). Cytogenetic location: 16p13.3.
Variant type: single nucleotide variant.
Coding change: c.1094T>G on transcript NM_000548.5 (MANE Select); coding-DNA position 1094, T replaced by G.
Protein change: p.Ile365Ser; replaces isoleucine 365 with serine.
Molecular consequence: missense variant. On other transcripts: 5 prime UTR variant (10), non-coding transcript variant (5).
Genome position (GRCh38, 1-based): chr16:2,060,788, T>G. VCF-style: chr16-2060788-T-G. GRCh37 (hg19) VCF-style: chr16-2110789-T-G.
Other names: c.983T>G, p.Ile328Ser (NM_001318827.2, NM_001406670.1, NM_001406678.1); c.947T>G, p.Ile316Ser (NM_001318829.2, NM_001406679.1, NM_001406675.1 and 1 more transcripts); c.494T>G, p.Ile165Ser (NM_001318831.2, NM_001406680.1, NM_001406682.1 and 6 more transcripts); c.1127T>G, p.Ile376Ser (NM_001318832.2); c.1094T>G, p.Ile365Ser (NM_001363528.2, NM_001370404.1, NM_001370405.1 and 6 more transcripts); c.632T>G, p.Ile211Ser (NM_001406681.1); c.1184T>G, p.Ile395Ser (NM_001406667.1, NM_001406668.1); c.1082T>G, p.Ile361Ser (NM_001406671.1, NM_001406673.1); and 4 more; short protein forms I165S, I211S, I316S, I328S, I346S, I361S, I365S, I376S.
Identifiers: ClinVar variation 4532212 (VCV004532212.1).
Genomic context (GRCh38, chr16:2,060,788, plus strand): 5'-TCATCAAGAAGTATAGGAAGGAGCTCCAGGTGGTGGCGTGGGACATTCTGCTGAACATCA[T>G]CGAACGGCTCCTTCAGCAGCTCCAGGTGGGGTGGGGGCAGGAGCTCCGGGGAGCACCGGG-3'
Protein context (NP_000539.2, residues 355-375): VVAWDILLNI[Ile365Ser]ERLLQQLQTL